The following is an entry in ClinVar:

ClinVar aggregate classification (germline): Pathogenic (0 of 4 stars; one submission).

Conditions:
T-B+ severe combined immunodeficiency due to JAK3 deficiency. Also called: SCID, T CELL-NEGATIVE, B CELL-POSITIVE, NK CELL-NEGATIVE; SCID, autosomal recessive, T-negative/B-positive type. Identifiers: Orphanet 35078, MedGen C1833275, MONDO:0010938, OMIM 600802.

Submission:

Laboratory of Pediatric Immunoinfectivology, Tor Vergata University
Classification: Pathogenic for T-B+ severe combined immunodeficiency due to JAK3 deficiency. Last evaluated: 2019-02-28. Review status: no assertion criteria provided. Collection method: clinical testing. Allele origin: germline. Affected: yes.
Comment: SCID (Severe Combined Immunodeficiency) T-, B+, NK-, HYPOGAMMAGLOBULINEMIA

JAK3base: J0035

Literature cited by the submitters: PubMed 30032486; DOI 10.3389/fimmu.2019.00316.

NM_000215.3(JAK3):c.[1796T>G;2125T>A]

Variant type: Haplotype.
Identifiers: ClinVar variation 624581 (VCV000624581.3).